The following is an entry in ClinVar:

NM_003664.5(AP3B1):c.1946G>A (p.Arg649Gln)

Gene: AP3B1 (adaptor related protein complex 3 subunit beta 1; minus strand). Cytogenetic location: 5q14.1.
Variant type: single nucleotide variant.
Coding change: c.1946G>A on transcript NM_003664.5 (MANE Select); coding-DNA position 1946, G replaced by A.
Protein change: p.Arg649Gln; replaces arginine 649 with glutamine.
Molecular consequence: missense variant.
Genome position (GRCh38, 1-based): chr5:78,128,052, C>T on the plus strand (G>A on the coding strand, the complement: AP3B1 is on the minus strand). VCF-style: chr5-78128052-C-T. GRCh37 (hg19) VCF-style: chr5-77423876-C-T.
Other names: c.1799G>A, p.Arg600Gln (NM_001271769.2); c.1946G>A (NM_003664.3); short protein forms R649Q, R600Q.
Identifiers: ClinVar variation 945857 (VCV000945857.9), dbSNP rs748191084, ClinGen allele CA3316918.
Genomic context (GRCh38, chr5:78,128,052, plus strand): 5'-CTGCTTTGGCAAAATTAATTTCAGAAAGGTCAACTTACCAACTCTATTACTTCTACATTT[C>T]GAACTGATGGGTCGGGCGCCACCTCTGGCCAATTAGATAATTCCAGGTACCCAGTAGCTT-3'
Protein context (NP_003655.3, residues 639-659): WPEVAPDPSV[Arg649Gln]NVEVIELAKE

ClinVar aggregate classification (germline): Uncertain significance. Review status: criteria provided, multiple submitters, no conflicts (2 of 4 stars). 3 submissions from 3 submitters: Uncertain significance (3). Last evaluated 2024-09-19.

Conditions:
Inborn genetic diseases. Identifiers: MedGen C0950123, MeSH D030342.
Hermansky-Pudlak syndrome 2 (HPS2). Also called: Platelet defects and oculocutaneous albinism. Identifiers: Orphanet 183678, Orphanet 79430, MedGen C1842362, MONDO:0011997, OMIM 608233.

Allele frequency attached by ClinVar (database versions not stated): ExAC 0.00001; gnomAD 0.00001; gnomAD exomes 0.00001; TOPMed 0.00002.
gnomAD v4.1: 7 of 1,612,924 alleles (0.00043%); highest among the groups gnomAD compares: African/African-American, 0.0027%; no homozygotes.

Submissions (3):

St. Jude Molecular Pathology, St. Jude Children's Research Hospital
Classification: Uncertain significance for Hermansky-Pudlak syndrome 2. Last evaluated: 2024-09-19. Review status: criteria provided, single submitter. Criteria: St. Jude Assertion Criteria 2020. Collection method: clinical testing. Allele origin: germline.
Comment: The AP3B1 c.1946G>A (p.Arg649Gln) change has a maximum subpopulation frequency of 0.0062% in gnomAD v2.1.1. The in silico tool REVEL is inconclusive about a pathogenic or benign effect of this variant on protein function, and to our knowledge functional studies have not been performed. To our knowledge, this variant has not been reported in individuals with Hermansky-Pudlak syndrome. In summary, the evidence currently available is insufficient to determine the clinical significance of this variant. It has therefore been classified as of uncertain significance.

Ambry Genetics
Classification: Uncertain significance for Inborn genetic diseases. Last evaluated: 2022-03-02. Review status: criteria provided, single submitter. Criteria: Ambry Variant Classification Scheme 2023. Collection method: clinical testing. Allele origin: germline.

Labcorp Genetics (formerly Invitae), Labcorp
Classification: Uncertain significance for Hermansky-Pudlak syndrome 2. Last evaluated: 2019-05-06. Review status: criteria provided, single submitter. Criteria: Invitae Variant Classification Sherloc (09022015). Collection method: clinical testing. Allele origin: germline.
Comment: In summary, the available evidence is currently insufficient to determine the role of this variant in disease. Therefore, it has been classified as a Variant of Uncertain Significance. Algorithms developed to predict the effect of missense changes on protein structure and function are either unavailable or do not agree on the potential impact of this missense change (SIFT: "Tolerated"; PolyPhen-2: "Probably Damaging"; Align-GVGD: "Class C0"). This variant has not been reported in the literature in individuals with AP3B1-related conditions. This variant is present in population databases (rs748191084, ExAC 0.01%). This sequence change replaces arginine with glutamine at codon 649 of the AP3B1 protein (p.Arg649Gln). The arginine residue is highly conserved and there is a small physicochemical difference between arginine and glutamine.